The following is an entry in ClinVar:

NM_015896.4(ZMYND10):c.1121+10G>A

Gene: ZMYND10 (zinc finger MYND-type containing 10; minus strand). Cytogenetic location: 3p21.31.
Variant type: single nucleotide variant.
Coding change: c.1121+10G>A on transcript NM_015896.4 (MANE Select); 10 bases into the intron after coding-DNA position 1121, G replaced by A.
Molecular consequence: intron variant.
Genome position (GRCh38, 1-based): chr3:50,341,800, C>T on the plus strand (G>A on the coding strand, the complement: ZMYND10 is on the minus strand). VCF-style: chr3-50341800-C-T. GRCh37 (hg19) VCF-style: chr3-50379231-C-T.
Other names: c.1121+10G>A (NM_015896.3); c.1106+10G>A (NM_001308379.2).
Identifiers: ClinVar variation 2195423 (VCV002195423.6), dbSNP rs970488934, ClinGen allele CA74630739.
Genomic context (GRCh38, chr3:50,341,800, plus strand): 5'-GGGGGCACCCCACCCACATCCATGCCTCCTGCATCCCCTCCACCCTCCCTGCCATTTCCA[C>T]AGGCCTTACCTTCGCGCCTGCAGCCGCAGGTCCTGCTCTGAGGGGCTGAACACATGCTGG-3'

ClinVar aggregate classification (germline): Likely benign. Review status: criteria provided, single submitter (1 of 4 stars). 2 submissions from 2 submitters: Likely benign (1). 1 of the submissions does not count toward it. Last evaluated 2025-06-06.

Conditions:
ZMYND10-related disorder. Also called: ZMYND10-related condition.
Primary ciliary dyskinesia. Also called: Ciliary dyskinesia. Identifiers: Orphanet 244, MedGen C0008780, MONDO:0016575, HP:0012265.

Allele frequency attached by ClinVar (database versions not stated): gnomAD 0.00002; gnomAD exomes 0.00002; TOPMed 0.00003.

Submissions (2):

Labcorp Genetics (formerly Invitae), Labcorp
Classification: Likely benign for Primary ciliary dyskinesia. Last evaluated: 2025-06-06. Review status: criteria provided, single submitter. Criteria: Invitae Variant Classification Sherloc (09022015). Collection method: clinical testing. Allele origin: germline.

PreventionGenetics, part of Exact Sciences
Classification: Likely benign for ZMYND10-related condition. Last evaluated: 2023-12-27. Review status: no assertion criteria provided. Collection method: clinical testing. Allele origin: germline. Not counted in ClinVar's aggregate classification.
Comment: This variant is classified as likely benign based on ACMG/AMP sequence variant interpretation guidelines (Richards et al. 2015 PMID: 25741868, with internal and published modifications).